The following is an entry in ClinVar:

ClinVar aggregate classification (germline): Likely benign (1 of 4 stars; one submission).

Submission:

CeGaT Center for Human Genetics Tuebingen
Classification: Likely benign. Last evaluated: 2025-04-01. Review status: criteria provided, single submitter. Criteria: CeGaT Center For Human Genetics Tuebingen Variant Classification Criteria Version 2. Collection method: clinical testing. Allele origin: germline. Affected: yes. Observed: 1 variant allele.
Comment: DSPP: BP4, BP7

NM_014208.3(DSPP):c.2004T>C (p.Ser668=)

Genes: DMP1-AS1 (DMP1 and DSPP antisense RNA 1; minus strand), DSPP (dentin sialophosphoprotein; plus strand). Cytogenetic location: 4q22.1.
Variant type: single nucleotide variant.
Coding change: c.2004T>C on transcript NM_014208.3 (MANE Select); coding-DNA position 2004, T replaced by C.
Protein change: p.Ser668=; no amino-acid change (serine 668 retained).
Molecular consequence: synonymous variant.
Genome position (GRCh38, 1-based): chr4:87,614,666, T>C. VCF-style: chr4-87614666-T-C. GRCh37 (hg19) VCF-style: chr4-88535818-T-C.
Identifiers: ClinVar variation 3898098 (VCV003898098.7).